The following is an entry in ClinVar:

ClinVar aggregate classification (germline): Likely pathogenic (0 of 4 stars; one submission).

Conditions:
Myoclonic dystonia 11 (DYT11). Also called: Myoclonic dystonia; Dystonia 11; Dystonia, alcohol responsive; Hereditary essential myoclonus; SGCE Myoclonus-Dystonia; Myoclonus-Dystonia. Identifiers: Orphanet 36899, MedGen C1834570, MONDO:0008044, OMIM 159900.

Submission:

Diagnostics Centre, Carl Von Ossietzky University Oldenburg
Classification: Likely pathogenic for Myoclonic dystonia 11. Last evaluated: 2025-03-31. Review status: no assertion criteria provided. Collection method: clinical testing. Allele origin: germline. Affected: yes. Observed: 1 variant allele.
Comment: The variant SGCE:c.232G>A p.(Gly78Ser) which is located in the coding exon 2 of the SGCE gene, results from a guanine to adenine substitution at nucleotide position c.232. The glycine at protein position 78 is replaced by a serine. The affected position is located in the functionally relevant sacroglycan_2 domain of the protein. In silico tools predict a severe deleterious effect in the protein structure/function (REVEL = 0.651). This variant has not yet been described in ClinVar or any other scientific publication known to us. The variant is classified as very rare since it is absent in gnomAD v4.1.0. In summary, this variant is classified as likely pathogenic.

NM_003919.3(SGCE):c.232G>A (p.Gly78Ser)

Genes: CASD1 (CAS1 domain sialic acid O acetyltransferase 1; plus strand), SGCE (sarcoglycan epsilon; minus strand). Cytogenetic location: 7q21.3.
Variant type: single nucleotide variant.
Coding change: c.232G>A on transcript NM_003919.3 (MANE Select); coding-DNA position 232, G replaced by A.
Protein change: p.Gly78Ser; replaces glycine 78 with serine.
Molecular consequence: missense variant. On other transcripts: 5 prime UTR variant (2), intron variant (2).
Genome position (GRCh38, 1-based): chr7:94,629,719, C>T on the plus strand (G>A on the coding strand, the complement: SGCE is on the minus strand). VCF-style: chr7-94629719-C-T. GRCh37 (hg19) VCF-style: chr7-94259031-C-T.
Other names: c.232G>A, p.Gly78Ser (NM_001099400.2, NM_001099401.2, NM_001346717.2); c.340G>A, p.Gly114Ser (NM_001346713.2, NM_001346715.2); c.145G>A, p.Gly49Ser (NM_001346719.2, NM_001362807.2); c.-42G>A (NM_001346720.2, NM_001362808.2); c.110-1360G>A (NM_001362809.2, NM_001301139.2); short protein forms G114S, G49S, G78S.
Identifiers: ClinVar variation 4530640 (VCV004530640.1).